The following is an entry in ClinVar:

Conditions:
Breast-ovarian cancer, familial, susceptibility to, 1 (BROVCA1). Also called: BRCA1 Hereditary Breast and Ovarian Cancer; OVARIAN CANCER, SUSCEPTIBILITY TO. Identifiers: Orphanet 145, MedGen C2676676, MONDO:0011450, OMIM 604370. Disease mechanism: loss of function.

Submission:

Brotman Baty Institute, University of Washington
No classification provided (evidence only). Condition: Breast-ovarian cancer, familial 1. Review status: no classification provided. Collection method: in vitro. Allele origin: not applicable. Functional consequence: functionally_normal.
ClinVar note: "not provided" was previously submitted as the classification for the variant. However, the classification appeared to be based only on an observation of functional data so it was converted to no classification on 2025-07-30.

NM_007294.4(BRCA1):c.62T>A (p.Ile21Asn)

Gene: BRCA1 (BRCA1 DNA repair associated; minus strand). Cytogenetic location: 17q21.31.
Variant type: single nucleotide variant.
Coding change: c.62T>A on transcript NM_007294.4 (MANE Select); coding-DNA position 62, T replaced by A.
Protein change: p.Ile21Asn; replaces isoleucine 21 with asparagine.
Molecular consequence: missense variant. On other transcripts: 5 prime UTR variant (1), non-coding transcript variant (1).
Genome position (GRCh38, 1-based): chr17:43,124,035, A>T on the plus strand (T>A on the coding strand, the complement: BRCA1 is on the minus strand). VCF-style: chr17-43124035-A-T. GRCh37 (hg19) VCF-style: chr17-41276052-A-T.
Other names: c.62T>A, p.Ile21Asn (NM_001407664.1, NM_001407665.1, NM_001407666.1 and 193 more transcripts); c.-196T>A (NM_001407694.1, NM_001407724.1, NM_001407727.1 and 11 more transcripts); c.-200T>A (NM_001407695.1, NM_001408465.1); c.-341T>A (NM_001407696.1); c.-225T>A (NM_001407697.1, NM_001407846.1, NM_001407920.1); c.-26T>A (NM_001407698.1, NM_001407732.1, NM_001407736.1 and 23 more transcripts); c.-199T>A (NM_001407725.1, NM_001407730.1, NM_001407734.1 and 22 more transcripts); c.-145T>A (NM_001407726.1, NM_001407751.1); and 8 more; short protein forms I21N.
Identifiers: ClinVar variation 868779 (VCV000868779.3), dbSNP rs1135401834, ClinGen allele CA10602032.
Genomic context (GRCh38, chr17:43,124,035, plus strand): 5'-ATCATAGGAATCCCAAATTAATACACTCTTGTGCTGACTTACCAGATGGGACACTCTAAG[A>T]TTTTCTGCATAGCATTAATGACATTTTGTACTTCTTCAACGCGAAGAGCAGATAAATCCA-3'
Protein context (NP_009225.1, residues 11-31): VQNVINAMQK[Ile21Asn]LECPICLELI